The following is an entry in ClinVar:

ClinVar aggregate classification (germline): Uncertain significance. Review status: criteria provided, multiple submitters, no conflicts (2 of 4 stars). 2 submissions from 2 submitters: Uncertain significance (2). Last evaluated 2024-04-24.

Conditions:
Inborn genetic diseases. Identifiers: MedGen C0950123, MeSH D030342.

Allele frequency attached by ClinVar (database versions not stated): gnomAD exomes below 0.00001; ExAC 0.00001; gnomAD 0.00001.
gnomAD v4.1: 3 of 1,613,356 alleles (0.00019%); highest among the groups gnomAD compares: Non-Finnish European, 0.00025%; no homozygotes.

Submissions (2):

Labcorp Genetics (formerly Invitae), Labcorp
Classification: Uncertain significance. Last evaluated: 2024-04-24. Review status: criteria provided, single submitter. Criteria: Invitae Variant Classification Sherloc (09022015). Collection method: clinical testing. Allele origin: germline.
Comment: This sequence change replaces tyrosine, which is neutral and polar, with cysteine, which is neutral and slightly polar, at codon 189 of the PCDH15 protein (p.Tyr189Cys). This variant is not present in population databases (gnomAD no frequency). This variant has not been reported in the literature in individuals affected with PCDH15-related conditions. ClinVar contains an entry for this variant (Variation ID: 1438785). Advanced modeling of protein sequence and biophysical properties (such as structural, functional, and spatial information, amino acid conservation, physicochemical variation, residue mobility, and thermodynamic stability) performed at Invitae indicates that this missense variant is expected to disrupt PCDH15 protein function with a positive predictive value of 80%. In summary, the available evidence is currently insufficient to determine the role of this variant in disease. Therefore, it has been classified as a Variant of Uncertain Significance.

Ambry Genetics
Classification: Uncertain significance for Inborn genetic diseases. Last evaluated: 2022-06-27. Review status: criteria provided, single submitter. Criteria: Ambry Variant Classification Scheme 2023. Collection method: clinical testing. Allele origin: germline.

NM_001384140.1(PCDH15):c.566A>G (p.Tyr189Cys)

Gene: PCDH15 (protocadherin related 15; minus strand). Cytogenetic location: 10q21.1.
Variant type: single nucleotide variant.
Coding change: c.566A>G on transcript NM_001384140.1 (MANE Select); coding-DNA position 566, A replaced by G.
Protein change: p.Tyr189Cys; replaces tyrosine 189 with cysteine.
Molecular consequence: missense variant.
Genome position (GRCh38, 1-based): chr10:54,346,393, T>C on the plus strand (A>G on the coding strand, the complement: PCDH15 is on the minus strand). VCF-style: chr10-54346393-T-C. GRCh37 (hg19) VCF-style: chr10-56106153-T-C.
Other names: c.581A>G, p.Tyr194Cys (NM_001142763.2, NM_001142769.4, NM_001142771.2); c.566A>G, p.Tyr189Cys (NM_001142764.2, NM_001142765.2, NM_001142766.2 and 8 more transcripts); c.500A>G, p.Tyr167Cys (NM_001142768.2, NM_001142773.2, NM_001354404.2); short protein forms Y194C, Y167C, Y189C.
Identifiers: ClinVar variation 1438785 (VCV001438785.6), dbSNP rs760309437, ClinGen allele CA5506661.